The following is an entry in ClinVar:

NM_002485.5(NBN):c.481-18_481-17del

Gene: NBN (nibrin; minus strand). Cytogenetic location: 8q21.3.
Variant type: Deletion.
Coding change: c.481-18_481-17del on transcript NM_002485.5 (MANE Select); 18 bases into the intron before coding-DNA position 481 through 17 bases into the intron before coding-DNA position 481, 2 bases deleted (AT; older notation c.481-18_481-17delAT).
Molecular consequence: intron variant.
Genome position (GRCh38, 1-based): chr8:89,978,340-89,978,341, AT deleted on the plus strand (AT on the coding strand, the reverse complement: NBN is on the minus strand). VCF-style (leftmost placement, unchanged base first): chr8-89978339-CAT-C. GRCh37 (hg19) VCF-style: chr8-90990567-CAT-C.
Other names: c.481-18_481-17delAT (NM_002485.4); c.235-18_235-17del (NM_001024688.3).
Identifiers: ClinVar variation 418372 (VCV000418372.11), dbSNP rs778286254, ClinGen allele CA4802957.

ClinVar aggregate classification (germline): Likely benign. Review status: criteria provided, multiple submitters, no conflicts (2 of 4 stars). 3 submissions from 3 submitters: Likely benign (3). Last evaluated 2026-01-18.

Conditions:
Microcephaly, normal intelligence and immunodeficiency (NBS). Also called: Nijmegen breakage syndrome; Microcephaly with normal intelligence immunodeficiency and lymphoreticular malignancies; Nonsyndromal microcephaly autosomal recessive with normal intelligence; Seemanova syndrome 2; BERLIN BREAKAGE SYNDROME; SEEMANOVA SYNDROME II. Identifiers: Orphanet 647, MedGen C0398791, MONDO:0009623, OMIM 251260.

Allele frequency attached by ClinVar (database versions not stated): gnomAD 0.00001; TOPMed 0.00002; gnomAD exomes 0.00003; ExAC 0.00005; ESP Exome Variant Server 0.00008.

Submissions (3):

Labcorp Genetics (formerly Invitae), Labcorp
Classification: Likely benign for Microcephaly, normal intelligence and immunodeficiency. Last evaluated: 2026-01-18. Review status: criteria provided, single submitter. Criteria: Invitae Variant Classification Sherloc (09022015). Collection method: clinical testing. Allele origin: germline.

Blueprint Genetics
Classification: Likely benign. Last evaluated: 2023-07-13. Review status: criteria provided, single submitter. Criteria: ACMG Guidelines, 2015. Collection method: clinical testing. Allele origin: germline.

GeneDx
Classification: Likely benign. Last evaluated: 2017-06-28. Review status: criteria provided, single submitter. Criteria: GeneDx Variant Classification (06012015). Collection method: clinical testing. Allele origin: germline. Affected: yes.
Comment: This variant is considered likely benign or benign based on one or more of the following criteria: it is a conservative change, it occurs at a poorly conserved position in the protein, it is predicted to be benign by multiple in silico algorithms, and/or has population frequency not consistent with disease.